The following is an entry in ClinVar:

NM_012062.5(DNM1L):c.2173C>G (p.Gln725Glu)

Gene: DNM1L (dynamin 1 like; plus strand). Cytogenetic location: 12p11.21.
Variant type: single nucleotide variant.
Coding change: c.2173C>G on transcript NM_012062.5 (MANE Select); coding-DNA position 2173, C replaced by G.
Protein change: p.Gln725Glu; replaces glutamine 725 with glutamic acid.
Molecular consequence: missense variant.
Genome position (GRCh38, 1-based): chr12:32,743,372, C>G. VCF-style: chr12-32743372-C-G. GRCh37 (hg19) VCF-style: chr12-32896306-C-G.
Other names: c.2140C>G, p.Gln714Glu (NM_001278463.2); c.2212C>G, p.Gln738Glu (NM_001278464.2); c.2179C>G, p.Gln727Glu (NM_001278465.2); c.1564C>G, p.Gln522Glu (NM_001278466.2); c.2101C>G, p.Gln701Glu (NM_001330380.2); c.2062C>G, p.Gln688Glu (NM_005690.5); c.2095C>G, p.Gln699Glu (NM_012063.4); short protein forms Q699E, Q701E, Q714E, Q727E, Q522E, Q725E, Q688E, Q738E.
Identifiers: ClinVar variation 3713365 (VCV003713365.2).

ClinVar aggregate classification (germline): Uncertain significance (1 of 4 stars; one submission).

Submission:

Labcorp Genetics (formerly Invitae), Labcorp
Classification: Uncertain significance. Last evaluated: 2024-04-15. Review status: criteria provided, single submitter. Criteria: Invitae Variant Classification Sherloc (09022015). Collection method: clinical testing. Allele origin: germline.
Comment: This sequence change replaces glutamine, which is neutral and polar, with glutamic acid, which is acidic and polar, at codon 725 of the DNM1L protein (p.Gln725Glu). This variant is not present in population databases (gnomAD no frequency). This variant has not been reported in the literature in individuals affected with DNM1L-related conditions. An algorithm developed to predict the effect of missense changes on protein structure and function (PolyPhen-2) suggests that this variant is likely to be tolerated. In summary, the available evidence is currently insufficient to determine the role of this variant in disease. Therefore, it has been classified as a Variant of Uncertain Significance.